The following is an entry in ClinVar:

NC_000023.11:g.38269726C>T

Gene: RPGR (retinitis pigmentosa GTPase regulator; minus strand). Cytogenetic location: Xp11.4.
Variant type: single nucleotide variant.
Molecular consequence: missense variant (on NM_000328.3). On other transcripts: non-coding transcript variant (6).
Genome position: GRCh38 VCF-style: chrX-38269726-C-T. GRCh37 (hg19) VCF-style: chrX-38128979-C-T.
Other names: c.2348G>A, p.Ser783Asn (NM_000328.3); c.2345G>A, p.Ser782Asn (NM_001367245.1); c.2162G>A, p.Ser721Asn (NM_001367246.1); c.2015G>A, p.Ser672Asn (NM_001367247.1); c.2045G>A, p.Ser682Asn (NM_001367248.1); c.2012G>A, p.Ser671Asn (NM_001367249.1, NM_001367250.1); c.1829G>A, p.Ser610Asn (NM_001367251.1); short protein forms S610N, S671N, S672N, S682N, S721N, S782N, S783N.
Identifiers: ClinVar variation 4079892 (VCV004079892.1).

ClinVar aggregate classification (germline): Uncertain significance. Review status: criteria provided, multiple submitters, no conflicts (2 of 4 stars). 2 submissions from 2 submitters: Uncertain significance (2). Last evaluated 2025-11-19.

Conditions:
Primary ciliary dyskinesia. Also called: Ciliary dyskinesia. Identifiers: Orphanet 244, MedGen C0008780, MONDO:0016575, HP:0012265.

Submissions (2):

Labcorp Genetics (formerly Invitae), Labcorp
Classification: Uncertain significance for Primary ciliary dyskinesia. Last evaluated: 2025-11-19. Review status: criteria provided, single submitter. Criteria: Invitae Variant Classification Sherloc (09022015). Collection method: clinical testing. Allele origin: germline.
Comment: This sequence change replaces serine, which is neutral and polar, with asparagine, which is neutral and polar, at codon 783 of the RPGR protein (p.Ser783Asn). This variant is not present in population databases (gnomAD no frequency). This variant has not been reported in the literature in individuals affected with RPGR-related conditions. ClinVar contains an entry for this variant (Variation ID: 4079892). Invitae Evidence Modeling of protein sequence and biophysical properties (such as structural, functional, and spatial information, amino acid conservation, physicochemical variation, residue mobility, and thermodynamic stability) indicates that this missense variant is not expected to disrupt RPGR protein function with a negative predictive value of 95%. In summary, the available evidence is currently insufficient to determine the role of this variant in disease. Therefore, it has been classified as a Variant of Uncertain Significance.

Revvity Omics, Revvity
Classification: Uncertain significance. Last evaluated: 2024-03-13. Review status: criteria provided, single submitter. Criteria: ACMG Guidelines, 2015. Collection method: clinical testing. Allele origin: germline.